The following is an entry in ClinVar:

NM_004621.6(TRPC6):c.43C>T (p.Pro15Ser)

Gene: TRPC6 (transient receptor potential cation channel subfamily C member 6; minus strand). Cytogenetic location: 11q22.1.
Variant type: single nucleotide variant.
Coding change: c.43C>T on transcript NM_004621.6 (MANE Select); coding-DNA position 43, C replaced by T.
Protein change: p.Pro15Ser; replaces proline 15 with serine.
Molecular consequence: missense variant.
Genome position (GRCh38, 1-based): chr11:101,583,461, G>A on the plus strand (C>T on the coding strand, the complement: TRPC6 is on the minus strand). VCF-style: chr11-101583461-G-A. GRCh37 (hg19) VCF-style: chr11-101454192-G-A.
Other names: short protein forms P15S.
Identifiers: ClinVar variation 259463 (VCV000259463.20), dbSNP rs3802829, ClinGen allele CA6244645.

ClinVar aggregate classification (germline): Benign. Review status: criteria provided, multiple submitters, no conflicts (2 of 4 stars). 8 submissions from 8 submitters: Benign (8). Last evaluated 2026-02-01.

Conditions:
Focal segmental glomerulosclerosis 2 (FSGS2). Identifiers: Orphanet 656, MedGen C1858915, MONDO:0011390, OMIM 603965.

Allele frequency attached by ClinVar (database versions not stated): ESP Exome Variant Server 0.06317; 1000 Genomes Project 30x 0.06668; 1000 Genomes Project 0.06769; TOPMed 0.07021; gnomAD 0.07029 and 0.07178; gnomAD exomes 0.08220; ExAC 0.10529.
gnomAD v4.1: 150,811 of 1,531,530 alleles (9.8%); highest among the groups gnomAD compares: East Asian, 13%; 8,033 homozygotes.

Submissions (8):

Labcorp Genetics (formerly Invitae), Labcorp
Classification: Benign. Last evaluated: 2026-02-01. Review status: criteria provided, single submitter. Criteria: Invitae Variant Classification Sherloc (09022015). Collection method: clinical testing. Allele origin: germline.

Blueprint Genetics
Classification: Benign. Last evaluated: 2024-11-27. Review status: criteria provided, single submitter. Criteria: ACMG Guidelines, 2015. Collection method: clinical testing. Allele origin: germline.

Mayo Clinic Laboratories, Mayo Clinic
Classification: Benign. Last evaluated: 2022-03-09. Review status: criteria provided, single submitter. Criteria: ACMG Guidelines, 2015. Collection method: clinical testing. Allele origin: germline. Observed: 13 variant alleles.

GeneDx
Classification: Benign. Last evaluated: 2019-12-23. Review status: criteria provided, single submitter. Criteria: GeneDx Variant Classification Process June 2021. Collection method: clinical testing. Allele origin: germline. Affected: yes.

Illumina Laboratory Services, Illumina
Classification: Benign for Focal segmental glomerulosclerosis 2. Last evaluated: 2018-01-12. Review status: criteria provided, single submitter. Criteria: ICSL Variant Classification Criteria 13 December 2019. Collection method: clinical testing. Allele origin: germline.
Comment: This variant was observed in the ICSL laboratory as part of a predisposition screen in an ostensibly healthy population. It had not been previously curated by ICSL or reported in the Human Gene Mutation Database (HGMD: prior to June 1st, 2018), and was therefore a candidate for classification through an automated scoring system. Utilizing variant allele frequency, disease prevalence and penetrance estimates, and inheritance mode, an automated score was calculated to assess if this variant is too frequent to cause the disease. Based on the score and internal cut-off values, a variant classified as benign is not then subjected to further curation. The score for this variant resulted in a classification of benign for this disease.

Athena Diagnostics
Classification: Benign for Focal segmental glomerulosclerosis 2. Last evaluated: 2017-04-14. Review status: criteria provided, single submitter. Criteria: Athena Diagnostics Criteria. Collection method: clinical testing. Allele origin: germline.

Breakthrough Genomics
Classification: Benign. Review status: criteria provided, single submitter. Criteria: ACMG Guidelines, 2015. Collection method: not provided. Allele origin: germline. Inheritance: Autosomal dominant inheritance. Affected: yes.

PreventionGenetics, part of Exact Sciences
Classification: Benign. Review status: criteria provided, single submitter. Criteria: ACMG Guidelines, 2015. Collection method: clinical testing. Allele origin: germline.